The following is an entry in ClinVar:

ClinVar aggregate classification (germline): Pathogenic (1 of 4 stars; one submission).

Conditions:
Maturity-onset diabetes of the young type 1. Also called: MILD JUVENILE DIABETES MELLITUS; MODY type 1; Diabetes mellitus MODY type 1; MODY HNF4A related; HNF4A-Related Maturity-Onset Diabetes of the Young Type 1; MODY, type I. Identifiers: Orphanet 552, MedGen C1852093, MONDO:0007452, OMIM 125850. Disease mechanism: loss of function.

Submission:

Victorian Clinical Genetics Services, Murdoch Childrens Research Institute
Classification: Pathogenic for Maturity-onset diabetes of the young type 1. Last evaluated: 2024-10-21. Review status: criteria provided, single submitter. Criteria: ACMG Guidelines, 2015. Collection method: clinical testing. Allele origin: germline.
Comment: This variant is classified as Pathogenic. Evidence in support of pathogenic classification: Variant is predicted to cause nonsense-mediated decay (NMD) and loss of protein (premature termination codon is located at least 54 nucleotides upstream of the final exon-exon junction); Variant is absent from gnomAD (v2, v3 and v4); Other NMD-predicted variant(s) comparable to the one identified in this case have very strong previous evidence for pathogenicity (DECIPHER). Additional information: This variant is heterozygous; This gene is associated with autosomal dominant disease; This variant has no previous evidence of pathogenicity; No published segregation evidence has been identified for this variant; No published functional evidence has been identified for this variant; Loss of function and dominant negative are known mechanisms of disease in this gene. Loss of function through a reduction of DNA binding is associated with MODY, type I (MIM#125850) and diabetes mellitus, noninsulin-dependent (MIM#125853) (OMIM; PMID: 31875549). Dominant negative is associated with Fanconi renotubular syndrome 4, with maturity-onset diabetes of the young (MIM#616026) (PMID: 31875549). - The condition associated with this gene has incomplete penetrance (PMID: 36257325).

Literature cited by the submitters: PubMed 36257325; PubMed 31875549.

NM_175914.5(HNF4A):c.745del (p.Glu249fs)

Gene: HNF4A (hepatocyte nuclear factor 4 alpha; plus strand). Cytogenetic location: 20q13.12.
Variant type: Deletion.
Coding change: c.745del on transcript NM_175914.5 (MANE Select); coding-DNA position 745, one base deleted (G; older notation c.745delG).
Protein change: p.Glu249fs; shifts the reading frame from glutamic acid 249.
Molecular consequence: frameshift variant.
Genome position (GRCh38, 1-based): chr20:44,419,795, G deleted. VCF-style (leftmost placement, unchanged base first): chr20-44419794-CG-C. GRCh37 (hg19) VCF-style: chr20-43048434-CG-C.
Other names: c.811del, p.Glu271fs (NM_000457.6, NM_178849.3, NM_178850.3); c.745del, p.Glu249fs (NM_001030003.3, NM_001030004.3); c.790del, p.Glu264fs (NM_001258355.2); c.736del, p.Glu246fs (NM_001287182.2, NM_001287183.2, NM_001287184.2); short protein forms E246fs, E249fs, E264fs, E271fs.
Identifiers: ClinVar variation 4531754 (VCV004531754.1).